The following is an entry in ClinVar:

ClinVar aggregate classification (germline): Likely benign (1 of 4 stars; one submission).

Conditions:
Malignant hyperthermia, susceptibility to, 1 (MHS1). Also called: Anesthesia related hyperthermia; Malignant hyperpyrexia; Fulminating hyperpyrexia; Pharmacogenic myopathy; RYR1-Related Malignant Hyperthermia Susceptibility; Malignant hyperthermia suceptibility 1. Identifiers: Orphanet 423, MedGen C2930980, MONDO:0007783, OMIM 145600.

gnomAD v4.1: 3 of 1,613,358 alleles (0.00019%); highest among the groups gnomAD compares: Non-Finnish European, 0.00025%; no homozygotes.

Submission:

All of Us Research Program, National Institutes of Health
Classification: Likely benign for Malignant hyperthermia, susceptibility to, 1. Last evaluated: 2023-08-08. Review status: criteria provided, single submitter. Criteria: ACMG Guidelines, 2015. Collection method: clinical testing. Allele origin: germline. Inheritance: Autosomal dominant inheritance. Observed: 1 variant allele, 1 heterozygote.
Comment: This study involves interpretation of variants in research participants for the purpose of population health screening. Participant phenotype was not available at the time of variant classification. Additional details can be found in publication PMID: 35346344, PMCID: PMC8962531

NM_000540.3(RYR1):c.2781G>T (p.Thr927=)

Gene: RYR1 (ryanodine receptor 1; plus strand). Cytogenetic location: 19q13.2.
Variant type: single nucleotide variant.
Coding change: c.2781G>T on transcript NM_000540.3 (MANE Select); coding-DNA position 2781, G replaced by T.
Protein change: p.Thr927=; no amino-acid change (threonine 927 retained).
Molecular consequence: synonymous variant.
Genome position (GRCh38, 1-based): chr19:38,463,845, G>T. VCF-style: chr19-38463845-G-T. GRCh37 (hg19) VCF-style: chr19-38954485-G-T.
Other names: c.2781G>T, p.Thr927= (NM_001042723.2).
Identifiers: ClinVar variation 3072578 (VCV003072578.1), dbSNP rs762155957, ClinGen allele CA063954.
Genomic context (GRCh38, chr19:38,463,845, plus strand): 5'-GGACTTCCACAGCCTTCCAGAGCCTGAGAGGAACTACAACCTGCAGATGTCTGGGGAGAC[G>T]CTCAAGTGAGGGCCCAGGGGAGCCGGGGGTTGGGGCTGGCTGCTGGTGCGGTGGGGGAGG-3'
Protein context (NP_000531.2, residues 917-937): RNYNLQMSGE[Thr927=]LKTLLALGCH